The following is an entry in ClinVar:

ClinVar aggregate classification (germline): Pathogenic/Likely pathogenic. Review status: criteria provided, multiple submitters, no conflicts (2 of 4 stars). 2 submissions from 2 submitters: Pathogenic (1); Likely pathogenic (1). Last evaluated 2025-03-09.

Conditions:
Familial adenomatous polyposis 2. Also called: COLORECTAL ADENOMATOUS POLYPOSIS, AUTOSOMAL RECESSIVE; ADENOMAS, MULTIPLE COLORECTAL, AUTOSOMAL RECESSIVE; MUTYH-associated polyposis; MUTYH-related attenuated familial adenomatous polyposis; MUTYH Polyposis; Adenomas, multiple colorectal. Identifiers: Orphanet 220460, Orphanet 247798, MedGen C3272841, MONDO:0012041, OMIM 608456.
Hereditary cancer-predisposing syndrome. Also called: Neoplastic Syndromes, Hereditary; Hereditary Cancer Syndrome; Tumor predisposition; Hereditary neoplastic syndrome. Identifiers: Orphanet 140162, MedGen C0027672, MeSH D009386, MONDO:0015356.

Allele frequency attached by ClinVar (database versions not stated): TOPMed below 0.00001.

Submissions (2):

Labcorp Genetics (formerly Invitae), Labcorp
Classification: Pathogenic for Familial adenomatous polyposis 2. Last evaluated: 2025-03-09. Review status: criteria provided, single submitter. Criteria: Invitae Variant Classification Sherloc (09022015). Collection method: clinical testing. Allele origin: germline.
Comment: This sequence change replaces methionine, which is neutral and non-polar, with valine, which is neutral and non-polar, at codon 15 of the MUTYH protein (p.Met15Val). This variant is not present in population databases (gnomAD no frequency). This missense change has been observed in individual(s) with colorectal cancer (PMID: 24691292). In at least one individual the data is consistent with being in trans (on the opposite chromosome) from a pathogenic variant. It has also been observed to segregate with disease in related individuals. ClinVar contains an entry for this variant (Variation ID: 641313). An algorithm developed to predict the effect of missense changes on protein structure and function (PolyPhen-2) suggests that this variant is likely to be tolerated. Experimental studies have shown that this missense change affects MUTYH function (PMID: 24691292). For these reasons, this variant has been classified as Pathogenic.

Ambry Genetics
Classification: Likely pathogenic for Hereditary cancer-predisposing syndrome. Last evaluated: 2024-11-19. Review status: criteria provided, single submitter. Criteria: Ambry Variant Classification Scheme 2023. Collection method: clinical testing. Allele origin: germline.
Comment: The p.M15V variant (also known as c.43A>G), located in coding exon 2 of the MUTYH gene, results from an A to G substitution at nucleotide position 43. The methionine at codon 15 is replaced by valine, an amino acid with highly similar properties. This variant has been detected in trans with MUTYH c.1147delC in three siblings with a history of early onset polyposis and/or colorectal cancer and was also detected in a healthy sibling who did not carry the MUTYH c.1147delC alteration (Segu&iacute; N et al. Gut, 2015 Feb;64:355-6). This variant is considered to be rare based on population cohorts in the Genome Aggregation Database (gnomAD). This amino acid position is highly conserved in available vertebrate species. In addition, the in silico prediction for this alteration is inconclusive. Based on the majority of available evidence to date, this variant is likely to be pathogenic.

Literature cited by the submitters: PubMed 24691292 (cited by Labcorp Genetics (formerly Invitae), Labcorp and Ambry Genetics).

NM_001048174.2(MUTYH):c.1A>G (p.Met1Val)

Gene: MUTYH (mutY DNA glycosylase; minus strand). Cytogenetic location: 1p34.1.
Variant type: single nucleotide variant.
Coding change: c.1A>G on transcript NM_001048174.2 (MANE Select); coding-DNA position 1, A replaced by G.
Protein change: p.Met1Val; changes the start codon (methionine 1).
Molecular consequence: missense variant, initiator codon variant. On other transcripts: 5 prime UTR variant (4), non-coding transcript variant (2).
Genome position (GRCh38, 1-based): chr1:45,334,505, T>C on the plus strand (A>G on the coding strand, the complement: MUTYH is on the minus strand). VCF-style: chr1-45334505-T-C. GRCh37 (hg19) VCF-style: chr1-45800177-T-C.
Other names: c.1A>G, p.Met1Val (NM_001048171.2, NM_001048172.2, NM_001048173.2 and 2 more transcripts); c.43A>G, p.Met15Val (NM_001128425.2, NM_001293190.2, NM_012222.3); c.-212A>G (NM_001293192.2, NM_001293196.2); c.-271A>G (NM_001350650.2); c.-207A>G (NM_001350651.2); short protein forms M15V, M1V.
Identifiers: ClinVar variation 641313 (VCV000641313.12), dbSNP rs1570467133, ClinGen allele CA340137316.
Genomic context (GRCh38, chr1:45,334,505, plus strand): 5'-CTTCCTGGCTGGCTGCCTGCTTCCTGTGACCACTTCCCACGGCTGCTCGTGGCTTCCTCA[T>C]GATGGCCTGAAACAAAAAGACCCAGCCAAAGCAGTCAGTCACAATGAGGCCAAATTTTGA-3'
Protein context (NP_001041639.1, residues 1-11): [Met1Val]RKPRAAVGSG